The following is an entry in ClinVar:

ClinVar aggregate classification (germline): Likely benign (1 of 4 stars; one submission).

Conditions:
Telangiectasia, hereditary hemorrhagic, type 2 (HHT2). Also called: ACVRL1-Related Hereditary Hemorrhagic Telangiectasia; Telangiectasia, hereditary hemorrhagic, type II. Identifiers: Orphanet 774, MedGen C1838163, MONDO:0010880, OMIM 600376. Disease mechanism: loss of function.

Allele frequency attached by ClinVar (database versions not stated): gnomAD 0.00022 and 0.00040; TOPMed 0.00046; 1000 Genomes Project 0.00060; 1000 Genomes Project 30x 0.00078.

Submission:

Illumina Laboratory Services, Illumina
Classification: Likely benign for Telangiectasia, hereditary hemorrhagic, type 2. Last evaluated: 2018-01-13. Review status: criteria provided, single submitter. Criteria: ICSL Variant Classification Criteria 13 December 2019. Collection method: clinical testing. Allele origin: germline.
Comment: This variant was observed in the ICSL laboratory as part of a predisposition screen in an ostensibly healthy population. It had not been previously curated by ICSL or reported in the Human Gene Mutation Database (HGMD: prior to June 1st, 2018), and was therefore a candidate for classification through an automated scoring system. Utilizing variant allele frequency, disease prevalence and penetrance estimates, and inheritance mode, an automated score was calculated to assess if this variant is too frequent to cause the disease. Based on the score and internal cut-off values, a variant classified as likely benign is not then subjected to further curation. The score for this variant resulted in a classification of likely benign for this disease.

NM_000020.3(ACVRL1):c.*1369C>T

Gene: ACVRL1 (activin A receptor like type 1; plus strand). Cytogenetic location: 12q13.13.
Variant type: single nucleotide variant.
Coding change: c.*1369C>T on transcript NM_000020.3 (MANE Select); 1369 bases downstream of the stop codon, C replaced by T.
Molecular consequence: 3 prime UTR variant.
Genome position (GRCh38, 1-based): chr12:51,922,262, C>T. VCF-style: chr12-51922262-C-T. GRCh37 (hg19) VCF-style: chr12-52316046-C-T.
Other names: c.*1369C>T (NM_001077401.2).
Identifiers: ClinVar variation 883848 (VCV000883848.4), dbSNP rs202206221, ClinGen allele CA236368702.